The following is an entry in ClinVar:

ClinVar aggregate classification (germline): Uncertain significance. Review status: criteria provided, multiple submitters, no conflicts (2 of 4 stars). 2 submissions from 2 submitters: Uncertain significance (2). Last evaluated 2025-10-07.

Conditions:
Familial acute necrotizing encephalopathy (IIAE3). Also called: ENCEPHALOPATHY, ACUTE, INFECTION-INDUCED, SUSCEPTIBILITY TO, 3; Susceptibility to Acute Necrotizing Encephalopathy 1. Identifiers: Orphanet 88619, MedGen C2675556, MONDO:0011953, OMIM 608033.

Allele frequency attached by ClinVar (database versions not stated): ExAC 0.00001; gnomAD exomes 0.00001 and 0.00010; TOPMed 0.00006; gnomAD 0.00007 and 0.00008.
gnomAD v4.1: 164 of 1,611,924 alleles (0.01%); highest among the groups gnomAD compares: Non-Finnish European, 0.013%; no homozygotes.

Submissions (2):

Ambry Genetics
Classification: Uncertain significance. Last evaluated: 2025-10-07. Review status: criteria provided, single submitter. Criteria: Ambry Variant Classification Scheme 2023. Collection method: clinical testing. Allele origin: germline.

Labcorp Genetics (formerly Invitae), Labcorp
Classification: Uncertain significance for Familial acute necrotizing encephalopathy. Last evaluated: 2022-02-04. Review status: criteria provided, single submitter. Criteria: Invitae Variant Classification Sherloc (09022015). Collection method: clinical testing. Allele origin: germline.
Comment: Algorithms developed to predict the effect of missense changes on protein structure and function (SIFT, PolyPhen-2, Align-GVGD) all suggest that this variant is likely to be disruptive. This sequence change replaces histidine, which is basic and polar, with arginine, which is basic and polar, at codon 2012 of the RANBP2 protein (p.His2012Arg). This variant is present in population databases (rs772929320, gnomAD 0.004%). This variant has not been reported in the literature in individuals affected with RANBP2-related conditions. ClinVar contains an entry for this variant (Variation ID: 1015192). In summary, the available evidence is currently insufficient to determine the role of this variant in disease. Therefore, it has been classified as a Variant of Uncertain Significance.

NM_006267.5(RANBP2):c.6035A>G (p.His2012Arg)

Gene: RANBP2 (RAN binding protein 2; plus strand). Cytogenetic location: 2q13.
Variant type: single nucleotide variant.
Coding change: c.6035A>G on transcript NM_006267.5 (MANE Select); coding-DNA position 6035, A replaced by G.
Protein change: p.His2012Arg; replaces histidine 2012 with arginine.
Molecular consequence: missense variant.
Genome position (GRCh38, 1-based): chr2:108,766,574, A>G. VCF-style: chr2-108766574-A-G. GRCh37 (hg19) VCF-style: chr2-109383030-A-G.
Other names: c.6035A>G (NM_006267.4); short protein forms H2012R.
Identifiers: ClinVar variation 1015192 (VCV001015192.5), dbSNP rs772929320, ClinGen allele CA1823386.